The following is an entry in ClinVar:

ClinVar aggregate classification (germline): Uncertain significance (1 of 4 stars; one submission).

Submission:

Labcorp Genetics (formerly Invitae), Labcorp
Classification: Uncertain significance. Last evaluated: 2024-08-02. Review status: criteria provided, single submitter. Criteria: Invitae Variant Classification Sherloc (09022015). Collection method: clinical testing. Allele origin: germline.
Comment: This sequence change creates a premature translational stop signal (p.Ser192Trpfs*6) in the C1QTNF5 gene. While this is not anticipated to result in nonsense mediated decay, it is expected to disrupt the last 52 amino acid(s) of the C1QTNF5 protein. This variant is not present in population databases (gnomAD no frequency). This variant has not been reported in the literature in individuals affected with C1QTNF5-related conditions. In summary, the available evidence is currently insufficient to determine the role of this variant in disease. Therefore, it has been classified as a Variant of Uncertain Significance.

NM_001278431.2(C1QTNF5):c.575del (p.Ser192fs)

Genes: C1QTNF5 (C1q and TNF related 5; minus strand), MFRP (membrane frizzled-related protein; minus strand). Cytogenetic location: 11q23.3.
Variant type: Deletion.
Coding change: c.575del on transcript NM_001278431.2 (MANE Select); coding-DNA position 575, one base deleted (C; older notation c.575delC).
Protein change: p.Ser192fs; shifts the reading frame from serine 192.
Molecular consequence: frameshift variant. On other transcripts: 3 prime UTR variant (1).
Genome position (GRCh38, 1-based): chr11:119,339,488, G deleted on the plus strand (C on the coding strand, the reverse complement: C1QTNF5 is on the minus strand). VCF-style (leftmost placement, unchanged base first): chr11-119339487-CG-C. GRCh37 (hg19) VCF-style: chr11-119210197-CG-C.
Other names: c.575del, p.Ser192fs (NM_015645.5); c.*1471del (NM_031433.4); short protein forms S192fs.
Identifiers: ClinVar variation 3645569 (VCV003645569.2).